The following is an entry in ClinVar:

NM_015346.4(ZFYVE26):c.4804C>G (p.Arg1602Gly)

Gene: ZFYVE26 (zinc finger FYVE-type containing 26; minus strand). Cytogenetic location: 14q24.1.
Variant type: single nucleotide variant.
Coding change: c.4804C>G on transcript NM_015346.4 (MANE Select); coding-DNA position 4804, C replaced by G.
Protein change: p.Arg1602Gly; replaces arginine 1602 with glycine.
Molecular consequence: missense variant.
Genome position (GRCh38, 1-based): chr14:67,777,729, G>C on the plus strand (C>G on the coding strand, the complement: ZFYVE26 is on the minus strand). VCF-style: chr14-67777729-G-C. GRCh37 (hg19) VCF-style: chr14-68244446-G-C.
Other names: short protein forms R1602G.
Identifiers: ClinVar variation 1310369 (VCV001310369.2), dbSNP rs558285072, ClinGen allele CA7239660.

ClinVar aggregate classification (germline): Uncertain significance (1 of 4 stars; one submission).

gnomAD v4.1: 23 of 1,614,168 alleles (0.0014%); highest among the groups gnomAD compares: Non-Finnish European, 0.0019%; no homozygotes.

Submission:

GeneDx
Classification: Uncertain significance. Last evaluated: 2019-11-15. Review status: criteria provided, single submitter. Criteria: GeneDx Variant Classification Process June 2021. Collection method: clinical testing. Allele origin: germline. Affected: yes.
Comment: Not observed at a significant frequency in large population cohorts (Lek et al., 2016); In silico analysis, which includes protein predictors and evolutionary conservation, supports that this variant does not alter protein structure/function; Has not been previously published as pathogenic or benign to our knowledge